The following is an entry in ClinVar:

ClinVar aggregate classification (germline): Uncertain significance. Review status: criteria provided, multiple submitters, no conflicts (2 of 4 stars). 3 submissions from 3 submitters: Uncertain significance (2). 1 of the submissions does not count toward it. Last evaluated 2026-04-14.

Conditions:
Hereditary cancer-predisposing syndrome. Also called: Tumor predisposition; Neoplastic Syndromes, Hereditary; Hereditary neoplastic syndrome; Hereditary Cancer Syndrome. Identifiers: Orphanet 140162, MedGen C0027672, MeSH D009386, MONDO:0015356.

Submissions (3):

Ambry Genetics
Classification: Uncertain significance for Hereditary cancer-predisposing syndrome. Last evaluated: 2026-04-14. Review status: criteria provided, single submitter. Criteria: Ambry Variant Classification Scheme 2023. Collection method: clinical testing. Allele origin: germline.
Comment: The p.A447V variant (also known as c.1340C>T), located in coding exon 4 of the PALB2 gene, results from a C to T substitution at nucleotide position 1340. The alanine at codon 447 is replaced by valine, an amino acid with similar properties. This alteration was not observed in 7,051 unselected female breast cancer patients or 11,241 female controls of Japanese ancestry; it was also not observed in unselected male breast cancer patients but was observed with an allele frequency of 0.0001 in 12,490 male controls of Japanese ancestry (Momozawa Y et al. Nat Commun, 2018 Oct;9:4083). This amino acid position is not well conserved in available vertebrate species. In addition, this alteration is predicted to be tolerated by in silico analysis. Based on the available evidence, the clinical significance of this variant remains unclear.

Women's Health and Genetics/Laboratory Corporation of America, LabCorp
Classification: Uncertain significance. Last evaluated: 2020-01-17. Review status: criteria provided, single submitter. Criteria: LabCorp Variant Classification Summary - May 2015. Collection method: clinical testing. Allele origin: germline.
Comment: Variant summary: PALB2 c.1340C>T (p.Ala447Val) results in a non-conservative amino acid change in the encoded protein sequence. Four of five in-silico tools predict a benign effect of the variant on protein function. The variant allele was found at a frequency of 3.4e-06 in 297324 control chromosomes (gnomAD and Momozawa _2018). The available data on variant occurrences in the general population are insufficient to allow any conclusion about variant significance. To our knowledge, no occurrence of c.1340C>T in individuals affected with breast cancer and no experimental evidence demonstrating an impact on protein function have been reported. Co-occurrence with another pathogenic variant has been reported (ATM c.5692C>T, p.Arg1898Ter) in our database, providing supporting evidence for a benign role. No clinical diagnostic laboratories have submitted clinical-significance assessments for this variant to ClinVar after 2014. Based on the evidence outlined above, the variant was classified as uncertain significance.

Leiden Open Variation Database
Classification: Uncertain significance. Last evaluated: 2018-08-25. Review status: no assertion criteria provided. Collection method: curation. Allele origin: germline. Affected: yes. Not counted in ClinVar's aggregate classification.
Comment: Curators: Marc Tischkowitz, Arleen D. Auerbach. Submitter to LOVD: Yukihide Momozawa.

Literature cited by the submitters: PubMed 30287823 (cited by 3 submitters).

NM_024675.4(PALB2):c.1340C>T (p.Ala447Val)

Gene: PALB2 (partner and localizer of BRCA2; minus strand). Cytogenetic location: 16p12.2.
Variant type: single nucleotide variant.
Coding change: c.1340C>T on transcript NM_024675.4 (MANE Select); coding-DNA position 1340, C replaced by T.
Protein change: p.Ala447Val; replaces alanine 447 with valine.
Molecular consequence: missense variant.
Genome position (GRCh38, 1-based): chr16:23,635,206, G>A on the plus strand (C>T on the coding strand, the complement: PALB2 is on the minus strand). VCF-style: chr16-23635206-G-A. GRCh37 (hg19) VCF-style: chr16-23646527-G-A.
Other names: short protein forms A447V.
Identifiers: ClinVar variation 830135 (VCV000830135.3), dbSNP rs1555461334, ClinGen allele CA395132228.